The following is an entry in ClinVar:

ClinVar aggregate classification (germline): Uncertain significance (1 of 4 stars; one submission).

Allele frequency attached by ClinVar (database versions not stated): TOPMed 0.00001; gnomAD exomes 0.00002.

Submission:

GeneDx
Classification: Uncertain significance. Last evaluated: 2022-08-05. Review status: criteria provided, single submitter. Criteria: GeneDx Variant Classification Process June 2021. Collection method: clinical testing. Allele origin: germline. Affected: yes.
Comment: Not observed at significant frequency in large population cohorts (gnomAD); In silico analysis supports that this missense variant does not alter protein structure/function; Has not been previously published as pathogenic or benign to our knowledge

NM_005257.6(GATA6):c.782C>A (p.Ala261Glu)

Gene: GATA6 (GATA binding protein 6; plus strand). Cytogenetic location: 18q11.2.
Variant type: single nucleotide variant.
Coding change: c.782C>A on transcript NM_005257.6 (MANE Select); coding-DNA position 782, C replaced by A.
Protein change: p.Ala261Glu; replaces alanine 261 with glutamic acid.
Molecular consequence: missense variant.
Genome position (GRCh38, 1-based): chr18:22,171,926, C>A. VCF-style: chr18-22171926-C-A. GRCh37 (hg19) VCF-style: chr18-19751887-C-A.
Other names: short protein forms A261E.
Identifiers: ClinVar variation 2428836 (VCV002428836.3), dbSNP rs1157838873, ClinGen allele CA401800782.